The following is an entry in ClinVar:

ClinVar aggregate classification (germline): Pathogenic (1 of 4 stars; one submission).

Submission:

Labcorp Genetics (formerly Invitae), Labcorp
Classification: Pathogenic. Last evaluated: 2022-03-10. Review status: criteria provided, single submitter. Criteria: Invitae Variant Classification Sherloc (09022015). Collection method: clinical testing. Allele origin: germline.
Comment: For these reasons, this variant has been classified as Pathogenic. This variant has not been reported in the literature in individuals affected with CPLANE1-related conditions. This variant is a gross deletion of the genomic region encompassing exon(s) 42 of the CPLANE1 gene. This deletion is out-of-frame, and is expected to create a premature termination codon and result in an absent or disrupted protein product. Loss-of-function variants in CPLANE1 are known to be pathogenic (PMID: 24178751, 26092869).

Literature cited by the submitters: PubMed 24178751; PubMed 26092869.

NC_000005.9:g.(?_37148263)_(37148390_?)del

Gene: CPLANE1 (ciliogenesis and planar polarity effector complex subunit 1; minus strand). Cytogenetic location: 5p13.2.
Variant type: Deletion.
Identifiers: ClinVar variation 1459257 (VCV001459257.7).